The following is an entry in ClinVar:

NM_004006.3(DMD):c.9225-1G>T

Gene: DMD (dystrophin; minus strand). Cytogenetic location: Xp21.2.
Variant type: single nucleotide variant.
Coding change: c.9225-1G>T on transcript NM_004006.3 (MANE Select); the canonical splice acceptor site of the intron before coding-DNA position 9225, G replaced by T.
Molecular consequence: splice acceptor variant.
Genome position (GRCh38, 1-based): chrX:31,261,017, C>A on the plus strand (G>T on the coding strand, the complement: DMD is on the minus strand). VCF-style: chrX-31261017-C-A. GRCh37 (hg19) VCF-style: chrX-31279134-C-A.
Other names: c.9201-1G>T (NM_000109.4); c.5202-1G>T (NM_004011.4); c.5193-1G>T (NM_004012.4); c.1845-1G>T (NM_004023.3, NM_004020.4, NM_004022.3 and 2 more transcripts); c.1038-1G>T (NM_004014.3); c.21-1G>T (NM_004018.3, NM_004017.3, NM_004016.3 and 2 more transcripts); c.9213-1G>T (NM_004009.3); c.8856-1G>T (NM_004010.3).
Identifiers: ClinVar variation 1999520 (VCV001999520.5), dbSNP rs2519148962, ClinGen allele CA412652572.
Genomic context (GRCh38, chrX:31,261,017, plus strand): 5'-AAAGACTGGTAGAGCTCTGTCATTTTGGGATGGTCCCAGCAAGTTGTTTGAGTCTCGTGG[C>A]TAAAACACAAAACATAAAGAAAGACTTTAGCATTTACAATGAGTAGTCAAGAAAACAGGA-3'

ClinVar aggregate classification (germline): Pathogenic (1 of 4 stars; one submission).

Conditions:
Duchenne muscular dystrophy (DMD). Also called: MUSCULAR DYSTROPHY, PSEUDOHYPERTROPHIC PROGRESSIVE, DUCHENNE TYPE; Duchenne Muscular Dystrophy (DMD). Identifiers: Orphanet 98896, MedGen C0013264, MONDO:0010679, OMIM 310200.

Submissions (2):

Labcorp Genetics (formerly Invitae), Labcorp
Classification: Pathogenic for Duchenne muscular dystrophy. Last evaluated: 2022-11-08. Review status: criteria provided, single submitter. Criteria: Invitae Variant Classification Sherloc (09022015). Collection method: clinical testing. Allele origin: germline.
Comment: This sequence change affects an acceptor splice site in intron 62 of the DMD gene. It is expected to disrupt RNA splicing. Variants that disrupt the donor or acceptor splice site typically lead to a loss of protein function (PMID: 16199547), and loss-of-function variants in DMD are known to be pathogenic (PMID: 16770791, 25007885). This variant is not present in population databases (gnomAD no frequency). Disruption of this splice site has been observed in individual(s) with Duchenne muscular dystrophy (PMID: 17041906). In at least one individual the variant was observed to be de novo. Algorithms developed to predict the effect of sequence changes on RNA splicing suggest that this variant may disrupt the consensus splice site. For these reasons, this variant has been classified as Pathogenic.

Dr. Peter K. Rogan Lab, Western University
No classification provided (evidence only). Condition: Thyroid cancer, nonmedullary, 1. Review status: no classification provided. Collection method: in vitro. Allele origin: not applicable. Functional consequence: retained intron. Not counted in ClinVar's aggregate classification.

Literature cited by the submitters: PubMed 16199547 (cited by Labcorp Genetics (formerly Invitae), Labcorp); PubMed 16770791 (cited by Labcorp Genetics (formerly Invitae), Labcorp); PubMed 25007885 (cited by Labcorp Genetics (formerly Invitae), Labcorp); PubMed 17041906 (cited by Labcorp Genetics (formerly Invitae), Labcorp).